The following is an entry in ClinVar:

NC_000017.10:g.(?_1645209)_(1731288_?)del

Genes: SERPINF1 (serpin family F member 1; plus strand), SERPINF2 (serpin family F member 2; plus strand), SMYD4 (SET and MYND domain containing 4; minus strand). Cytogenetic location: 17p13.3.
Variant type: Deletion.
Identifiers: ClinVar variation 2423440 (VCV002423440.3).

ClinVar aggregate classification (germline): Pathogenic (1 of 4 stars; one submission).

Submission:

Labcorp Genetics (formerly Invitae), Labcorp
Classification: Pathogenic. Last evaluated: 2022-07-05. Review status: criteria provided, single submitter. Criteria: Invitae Variant Classification Sherloc (09022015). Collection method: clinical testing. Allele origin: germline.
Comment: A gross deletion of the genomic region encompassing the full coding sequence of the SERPINF2 gene has been identified. Loss-of-function variants in SERPINF2 are known to be pathogenic (PMID: 29656168, 31441040). The boundaries of this event are unknown as they extend beyond the assayed region for this gene and therefore may encompass additional genes. This variant has not been reported in the literature in individuals affected with SERPINF2-related conditions. For these reasons, this variant has been classified as Pathogenic.

Literature cited by the submitters: PubMed 29656168; PubMed 31441040.